The following is an entry in ClinVar:

ClinVar aggregate classification (germline): Uncertain significance (1 of 4 stars; one submission).

Conditions:
Hereditary cancer-predisposing syndrome. Also called: Neoplastic Syndromes, Hereditary; Tumor predisposition; Hereditary Cancer Syndrome; Hereditary neoplastic syndrome. Identifiers: Orphanet 140162, MedGen C0027672, MeSH D009386, MONDO:0015356.

gnomAD v4.1: 1 of 1,613,886 alleles (0.000062%); highest among the groups gnomAD compares: South Asian, 0.0011%; no homozygotes.

Submission:

Ambry Genetics
Classification: Uncertain significance for Hereditary cancer-predisposing syndrome. Last evaluated: 2022-01-31. Review status: criteria provided, single submitter. Criteria: Ambry Variant Classification Scheme 2023. Collection method: clinical testing. Allele origin: germline.
Comment: The p.I576K variant (also known as c.1727T>A), located in coding exon 10 of the ATM gene, results from a T to A substitution at nucleotide position 1727. The isoleucine at codon 576 is replaced by lysine, an amino acid with dissimilar properties. In one study, this alteration was observed in a Norwegian BRCA1 and BRCA2 negative breast and ovarian cancer cohort (Jarhelle E et al. Sci Rep, 2019 12;9:19986). This amino acid position is highly conserved in available vertebrate species. In addition, this alteration is predicted to be deleterious by in silico analysis. Since supporting evidence is limited at this time, the clinical significance of this alteration remains unclear.

Literature cited by the submitters: PubMed 31882575.

NM_000051.4(ATM):c.1727T>A (p.Ile576Lys)

Gene: ATM (ATM serine/threonine kinase; plus strand). Cytogenetic location: 11q22.3.
Variant type: single nucleotide variant.
Coding change: c.1727T>A on transcript NM_000051.4 (MANE Select); coding-DNA position 1727, T replaced by A.
Protein change: p.Ile576Lys; replaces isoleucine 576 with lysine.
Molecular consequence: missense variant.
Genome position (GRCh38, 1-based): chr11:108,251,956, T>A. VCF-style: chr11-108251956-T-A. GRCh37 (hg19) VCF-style: chr11-108122683-T-A.
Other names: c.1727T>A, p.Ile576Lys (NM_001351834.2); short protein forms I576K.
Identifiers: ClinVar variation 1778884 (VCV001778884.2), dbSNP rs730881342, ClinGen allele CA382535294.
Genomic context (GRCh38, chr11:108,251,956, plus strand): 5'-AAATGGGAATAGAGCAAAATATGTGTGAAGTAAATAGAAGCTTTTCTTTAAAGGAATCAA[T>A]AATGAAATGGCTCTTATTCTATCAGTTAGAGGGTGACTTAGAAAATAGCACAGAAGTGCC-3'
Protein context (NP_000042.3, residues 566-586): VNRSFSLKES[Ile576Lys]MKWLLFYQLE